The following is an entry in ClinVar:

NM_173628.4(DNAH17):c.8228A>G (p.Lys2743Arg)

Gene: DNAH17 (dynein axonemal heavy chain 17; minus strand). Cytogenetic location: 17q25.3.
Variant type: single nucleotide variant.
Coding change: c.8228A>G on transcript NM_173628.4 (MANE Select); coding-DNA position 8228, A replaced by G.
Protein change: p.Lys2743Arg; replaces lysine 2743 with arginine.
Molecular consequence: missense variant.
Genome position (GRCh38, 1-based): chr17:78,475,760, T>C on the plus strand (A>G on the coding strand, the complement: DNAH17 is on the minus strand). VCF-style: chr17-78475760-T-C. GRCh37 (hg19) VCF-style: chr17-76471842-T-C.
Other names: short protein forms K2743R.
Identifiers: ClinVar variation 2242135 (VCV002242135.8), dbSNP rs145458355, ClinGen allele CA8801914.

ClinVar aggregate classification (germline): Conflicting classifications of pathogenicity. Review status: criteria provided, conflicting classifications (1 of 4 stars). 2 submissions from 2 submitters: Uncertain significance (1); Likely benign (1). Last evaluated 2025-10-01.

Conditions:
Inborn genetic diseases. Identifiers: MedGen C0950123, MeSH D030342.

Allele frequency attached by ClinVar (database versions not stated): gnomAD exomes 0.00036; 1000 Genomes Project 30x 0.00203; 1000 Genomes Project 0.00220; gnomAD 0.00247; TOPMed 0.00277; ESP Exome Variant Server 0.00315.
gnomAD v4.1: 943 of 1,613,942 alleles (0.058%); highest among the groups gnomAD compares: African/African-American, 0.75%; 3 homozygotes.

Submissions (2):

CeGaT Center for Human Genetics Tuebingen
Classification: Likely benign. Last evaluated: 2025-10-01. Review status: criteria provided, single submitter. Criteria: CeGaT Center For Human Genetics Tuebingen Variant Classification Criteria Version 2. Collection method: clinical testing. Allele origin: germline. Affected: yes. Observed: 1 variant allele.
Comment: DNAH17: BP4, BS2

Ambry Genetics
Classification: Uncertain significance for Inborn genetic diseases. Last evaluated: 2021-09-17. Review status: criteria provided, single submitter. Criteria: Ambry Variant Classification Scheme 2023. Collection method: clinical testing. Allele origin: germline.